The following is an entry in ClinVar:

NM_001376.5(DYNC1H1):c.1260T>G (p.Phe420Leu)

Gene: DYNC1H1 (dynein cytoplasmic 1 heavy chain 1; plus strand). Cytogenetic location: 14q32.31.
Variant type: single nucleotide variant.
Coding change: c.1260T>G on transcript NM_001376.5 (MANE Select); coding-DNA position 1260, T replaced by G.
Protein change: p.Phe420Leu; replaces phenylalanine 420 with leucine.
Molecular consequence: missense variant.
Genome position (GRCh38, 1-based): chr14:101,983,408, T>G. VCF-style: chr14-101983408-T-G. GRCh37 (hg19) VCF-style: chr14-102449745-T-G.
Other names: short protein forms F420L.
Identifiers: ClinVar variation 1404133 (VCV001404133.10), dbSNP rs1367292809, ClinGen allele CA391014797.

ClinVar aggregate classification (germline): Conflicting classifications of pathogenicity. Review status: criteria provided, conflicting classifications (1 of 4 stars). 2 submissions from 2 submitters: Uncertain significance (1); Likely benign (1). Last evaluated 2023-10-18.

Conditions:
Inborn genetic diseases. Identifiers: MedGen C0950123, MeSH D030342.
Charcot-Marie-Tooth disease axonal type 2O. Also called: CHARCOT-MARIE-TOOTH NEUROPATHY, AXONAL, TYPE 2O; CHARCOT-MARIE-TOOTH DISEASE, AXONAL, AUTOSOMAL DOMINANT, TYPE 2O; Charcot-Marie-Tooth Neuropathy Type 2O; Charcot-Marie-Tooth disease, axonal, type 20. Identifiers: Orphanet 284232, MedGen C3280220, MONDO:0013644, OMIM 614228.

Allele frequency attached by ClinVar (database versions not stated): gnomAD 0.00001; gnomAD exomes 0.00001; TOPMed 0.00002.
gnomAD v4.1: 22 of 1,614,084 alleles (0.0014%); highest among the groups gnomAD compares: Non-Finnish European, 0.0016%; no homozygotes.

Submissions (2):

Labcorp Genetics (formerly Invitae), Labcorp
Classification: Likely benign for Charcot-Marie-Tooth disease axonal type 2O. Last evaluated: 2023-10-18. Review status: criteria provided, single submitter. Criteria: Invitae Variant Classification Sherloc (09022015). Collection method: clinical testing. Allele origin: germline.

Ambry Genetics
Classification: Uncertain significance for Inborn genetic diseases. Last evaluated: 2020-01-16. Review status: criteria provided, single submitter. Criteria: Ambry Variant Classification Scheme 2023. Collection method: clinical testing. Allele origin: germline.
Comment: The p.F420L variant (also known as c.1260T>G), located in coding exon 7 of the DYNC1H1 gene, results from a T to G substitution at nucleotide position 1260. The phenylalanine at codon 420 is replaced by leucine, an amino acid with highly similar properties. This amino acid position is highly conserved in available vertebrate species. In addition, the in silico prediction for this alteration is inconclusive. Since supporting evidence is limited at this time, the clinical significance of this alteration remains unclear.